The following is an entry in ClinVar:

ClinVar aggregate classification (germline): Uncertain significance (1 of 4 stars; one submission).

Conditions:
Congenital contractural arachnodactyly (CCA). Also called: BEALS SYNDROME; Arthrogryposis, distal, type 9; Beals-Hecht syndrome. Identifiers: Orphanet 115, MedGen C0220668, MONDO:0007363, OMIM 121050.

Submission:

Labcorp Genetics (formerly Invitae), Labcorp
Classification: Uncertain significance for Congenital contractural arachnodactyly. Last evaluated: 2026-01-12. Review status: criteria provided, single submitter. Criteria: Invitae Variant Classification Sherloc (09022015). Collection method: clinical testing. Allele origin: germline.
Comment: This sequence change replaces cysteine, which is neutral and slightly polar, with serine, which is neutral and polar, at codon 2710 of the FBN2 protein (p.Cys2710Ser). This variant is not present in population databases (gnomAD no frequency). This variant has not been reported in the literature in individuals affected with FBN2-related conditions. Invitae Evidence Modeling of protein sequence and biophysical properties (such as structural, functional, and spatial information, amino acid conservation, physicochemical variation, residue mobility, and thermodynamic stability) indicates that this missense variant is expected to disrupt FBN2 protein function with a positive predictive value of 80%. In summary, the available evidence is currently insufficient to determine the role of this variant in disease. Therefore, it has been classified as a Variant of Uncertain Significance.

NM_001999.4(FBN2):c.8129G>C (p.Cys2710Ser)

Gene: FBN2 (fibrillin 2; minus strand). Cytogenetic location: 5q23.3.
Variant type: single nucleotide variant.
Coding change: c.8129G>C on transcript NM_001999.4 (MANE Select); coding-DNA position 8129, G replaced by C.
Protein change: p.Cys2710Ser; replaces cysteine 2710 with serine.
Molecular consequence: missense variant.
Genome position (GRCh38, 1-based): chr5:128,263,488, C>G on the plus strand (G>C on the coding strand, the complement: FBN2 is on the minus strand). VCF-style: chr5-128263488-C-G. GRCh37 (hg19) VCF-style: chr5-127599180-C-G.
Other names: short protein forms C2710S.
Identifiers: ClinVar variation 4745182 (VCV004745182.1).